The following is an entry in ClinVar:

ClinVar aggregate classification (germline): Uncertain significance (1 of 4 stars; one submission).

Allele frequency attached by ClinVar (database versions not stated): gnomAD exomes below 0.00001.
gnomAD v4.1: 3 of 1,614,136 alleles (0.00019%); highest among the groups gnomAD compares: Admixed American, 0.0017%; no homozygotes.

Submission:

Labcorp Genetics (formerly Invitae), Labcorp
Classification: Uncertain significance. Last evaluated: 2022-04-10. Review status: criteria provided, single submitter. Criteria: Invitae Variant Classification Sherloc (09022015). Collection method: clinical testing. Allele origin: germline.
Comment: In summary, the available evidence is currently insufficient to determine the role of this variant in disease. Therefore, it has been classified as a Variant of Uncertain Significance. Algorithms developed to predict the effect of missense changes on protein structure and function output the following: SIFT: "Tolerated"; PolyPhen-2: "Benign"; Align-GVGD: "Class C0". The isoleucine amino acid residue is found in multiple mammalian species, which suggests that this missense change does not adversely affect protein function. This variant has not been reported in the literature in individuals affected with SLC7A14-related conditions. This variant is not present in population databases (gnomAD no frequency). This sequence change replaces valine, which is neutral and non-polar, with isoleucine, which is neutral and non-polar, at codon 197 of the SLC7A14 protein (p.Val197Ile).

NM_020949.3(SLC7A14):c.589G>A (p.Val197Ile)

Genes: SLC7A14 (solute carrier family 7 member 14; minus strand), SLC7A14-AS1 (SLC7A14 antisense RNA 1; plus strand). Cytogenetic location: 3q26.2.
Variant type: single nucleotide variant.
Coding change: c.589G>A on transcript NM_020949.3 (MANE Select); coding-DNA position 589, G replaced by A.
Protein change: p.Val197Ile; replaces valine 197 with isoleucine.
Molecular consequence: missense variant.
Genome position (GRCh38, 1-based): chr3:170,498,837, C>T on the plus strand (G>A on the coding strand, the complement: SLC7A14 is on the minus strand). VCF-style: chr3-170498837-C-T. GRCh37 (hg19) VCF-style: chr3-170216626-C-T.
Other names: short protein forms V197I.
Identifiers: ClinVar variation 2124364 (VCV002124364.4), dbSNP rs1299268331, ClinGen allele CA355515336.